The following is an entry in ClinVar:

ClinVar aggregate classification (germline): Uncertain significance (0 of 4 stars; one submission).

Conditions:
PIKFYVE-related disorder. Also called: PIKFYVE-related condition.

Submission:

PreventionGenetics, part of Exact Sciences
Classification: Uncertain significance for PIKFYVE-related condition. Last evaluated: 2023-12-27. Review status: no assertion criteria provided. Collection method: clinical testing. Allele origin: germline.
Comment: The PIKFYVE c.5682C>G variant is predicted to result in premature protein termination (p.Tyr1894*). To our knowledge, this variant has not been reported in the literature or in a large population database, indicating this variant is rare. While a few nonsense variants have been reported in PIKFYVE, none have been reported downstream of this variant. Therefore, although we suspect that this variant may be pathogenic, at this time, the clinical significance of this variant is uncertain due to the absence of conclusive functional and genetic evidence.

NM_015040.4(PIKFYVE):c.5682C>G (p.Tyr1894Ter)

Gene: PIKFYVE (phosphoinositide kinase, FYVE-type zinc finger containing; plus strand). Cytogenetic location: 2q34.
Variant type: single nucleotide variant.
Coding change: c.5682C>G on transcript NM_015040.4 (MANE Select); coding-DNA position 5682, C replaced by G.
Protein change: p.Tyr1894Ter; replaces tyrosine 1894 with a stop codon.
Molecular consequence: nonsense.
Genome position (GRCh38, 1-based): chr2:208,351,422, C>G. VCF-style: chr2-208351422-C-G. GRCh37 (hg19) VCF-style: chr2-209216146-C-G.
Other names: short protein forms Y1894*.
Identifiers: ClinVar variation 2632925 (VCV002632925.3), dbSNP rs774094432, ClinGen allele CA350105928.